The following is an entry in ClinVar:

ClinVar aggregate classification (germline): Conflicting classifications of pathogenicity. Review status: criteria provided, conflicting classifications (1 of 4 stars). 8 submissions from 8 submitters: Uncertain significance (6); Likely benign (1). 1 of the submissions does not count toward it. Last evaluated 2025-12-03.

Conditions:
Muscle eye brain disease (MEB). Also called: Santavuori congenital muscular dystrophy. Identifiers: Orphanet 588, Orphanet 899, MedGen C0457133, MONDO:0018939.
Muscular dystrophy-dystroglycanopathy (congenital with impaired intellectual development), type B, 3. Also called: Muscular dystrophy-dystroglycanopathy (congenital with intellectual disability), type B3; MUSCULAR DYSTROPHY, CONGENITAL, POMGNT1-RELATED. Identifiers: MedGen C3150412, MONDO:0013155, OMIM 613151.
Retinitis pigmentosa 76 (RP76). Identifiers: MedGen C4310704, MONDO:0014929, OMIM 617123.
Autosomal recessive limb-girdle muscular dystrophy type 2O. Also called: MUSCULAR DYSTROPHY-DYSTROGLYCANOPATHY, LIMB-GIRDLE, POMGNT1-RELATED; Limb-Girdle Muscular Dystrophy Type 3C; MUSCULAR DYSTROPHY-DYSTROGLYCANOPATHY (LIMB-GIRDLE), TYPE C, 3. Identifiers: Orphanet 206564, MedGen C3150417, MONDO:0013161, OMIM 613157.
Inborn genetic diseases. Identifiers: MedGen C0950123, MeSH D030342.

Allele frequency attached by ClinVar (database versions not stated): gnomAD 0.00020 and 0.00021; ESP Exome Variant Server 0.00031; 1000 Genomes Project 30x 0.00031; ExAC 0.00007; gnomAD exomes 0.00005; TOPMed 0.00026.

Submissions (8):

Labcorp Genetics (formerly Invitae), Labcorp
Classification: Likely benign for Autosomal recessive limb-girdle muscular dystrophy type 2O; Muscular dystrophy-dystroglycanopathy (congenital with impaired intellectual development), type B, 3. Last evaluated: 2025-12-03. Review status: criteria provided, single submitter. Criteria: Invitae Variant Classification Sherloc (09022015). Collection method: clinical testing. Allele origin: germline.

Ambry Genetics
Classification: Uncertain significance for Inborn genetic diseases. Last evaluated: 2025-06-09. Review status: criteria provided, single submitter. Criteria: Ambry Variant Classification Scheme 2023. Collection method: clinical testing. Allele origin: germline.

Blueprint Genetics
Classification: Uncertain significance. Last evaluated: 2024-08-06. Review status: criteria provided, single submitter. Criteria: ACMG Guidelines, 2015. Collection method: clinical testing. Allele origin: germline.

Athena Diagnostics
Classification: Uncertain significance. Last evaluated: 2022-02-17. Review status: criteria provided, single submitter. Criteria: Athena Diagnostics Criteria. Collection method: clinical testing. Allele origin: unknown.

GeneDx
Classification: Uncertain significance. Last evaluated: 2020-03-27. Review status: criteria provided, single submitter. Criteria: GeneDx Variant Classification Process June 2021. Collection method: clinical testing. Allele origin: germline. Affected: yes.
Comment: In silico analysis supports that this missense variant does not alter protein structure/function; Has not been previously published as pathogenic or benign to our knowledge

Fulgent Genetics
Classification: Uncertain significance for Muscular dystrophy-dystroglycanopathy (congenital with brain and eye anomalies), type A3; Muscular dystrophy-dystroglycanopathy (congenital with impaired intellectual development), type B, 3; Autosomal recessive limb-girdle muscular dystrophy type 2O; Retinitis pigmentosa 76. Last evaluated: 2018-10-31. Review status: criteria provided, single submitter. Criteria: ACMG Guidelines, 2015. Collection method: clinical testing. Allele origin: unknown.

Eurofins Ntd Llc (ga)
Classification: Uncertain significance. Last evaluated: 2017-12-07. Review status: criteria provided, single submitter. Criteria: EGL Classification Definitions 2015. Collection method: clinical testing. Allele origin: germline. Observed: 2 variant alleles, 2 heterozygotes.

Natera, Inc.
Classification: Uncertain significance for Muscle-eye-brain disease. Last evaluated: 2020-09-16. Review status: no assertion criteria provided. Collection method: clinical testing. Allele origin: germline. Not counted in ClinVar's aggregate classification.

NM_017739.4(POMGNT1):c.269G>A (p.Arg90His)

Gene: POMGNT1 (protein O-linked mannose N-acetylglucosaminyltransferase 1 (beta 1,2-); minus strand). Cytogenetic location: 1p34.1.
Variant type: single nucleotide variant.
Coding change: c.269G>A on transcript NM_017739.4 (MANE Select); coding-DNA position 269, G replaced by A.
Protein change: p.Arg90His; replaces arginine 90 with histidine.
Molecular consequence: missense variant. On other transcripts: 5 prime UTR variant (1).
Genome position (GRCh38, 1-based): chr1:46,196,816, C>T on the plus strand (G>A on the coding strand, the complement: POMGNT1 is on the minus strand). VCF-style: chr1-46196816-C-T. GRCh37 (hg19) VCF-style: chr1-46662488-C-T.
Other names: c.269G>A, p.Arg90His (NM_001243766.2, NM_001410783.1); c.203G>A, p.Arg68His (NM_001290129.3); c.-161G>A (NM_001290130.2); short protein forms R90H, R68H.
Identifiers: ClinVar variation 290280 (VCV000290280.21), dbSNP rs139701867, ClinGen allele CA833803.